The following is an entry in ClinVar:

NM_001080467.3(MYO5B):c.3130+4del

Genes: MYO5B (myosin VB; minus strand), LOC126862746 (CDK7 strongly-dependent group 2 enhancer GRCh37_chr18:47405587-47406786; plus strand). Cytogenetic location: 18q21.1.
Variant type: Deletion.
Coding change: c.3130+4del on transcript NM_001080467.3 (MANE Select); 4 bases into the intron after coding-DNA position 3130, one base deleted (A; older notation c.3130+4delA).
Molecular consequence: intron variant.
Genome position (GRCh38, 1-based): chr18:49,880,367, T deleted on the plus strand (A on the coding strand, the reverse complement: MYO5B is on the minus strand); the first of 2 consecutive T bases (chr18:49,880,367-49,880,368); deleting either gives the same sequence. VCF-style (leftmost placement, unchanged base first): chr18-49880366-CT-C. GRCh37 (hg19) VCF-style: chr18-47406736-CT-C.
Identifiers: ClinVar variation 3051272 (VCV003051272.2), dbSNP rs1328279678, ClinGen allele CA629563107.

ClinVar aggregate classification (germline): Likely benign (0 of 4 stars; one submission).

Conditions:
MYO5B-related disorder. Also called: MYO5B-related condition.

Submission:

PreventionGenetics, part of Exact Sciences
Classification: Likely benign for MYO5B-related condition. Last evaluated: 2023-06-22. Review status: no assertion criteria provided. Collection method: clinical testing. Allele origin: germline.
Comment: This variant is classified as likely benign based on ACMG/AMP sequence variant interpretation guidelines (Richards et al. 2015 PMID: 25741868, with internal and published modifications).